The following is an entry in ClinVar:

ClinVar aggregate classification (germline): Uncertain significance. Review status: criteria provided, multiple submitters, no conflicts (2 of 4 stars). 3 submissions from 3 submitters: Uncertain significance (3). Last evaluated 2024-02-05.

Conditions:
Congenital heart defects, multiple types, 6 (CHTD6). Identifiers: Orphanet 860, MedGen C3151221, MONDO:0013463, OMIM 613854.

Submissions (3):

GeneDx
Classification: Uncertain significance. Last evaluated: 2024-02-05. Review status: criteria provided, single submitter. Criteria: GeneDx Variant Classification Process June 2021. Collection method: clinical testing. Allele origin: germline. Affected: yes.
Comment: Not observed at significant frequency in large population cohorts (gnomAD); In silico analysis supports that this missense variant does not alter protein structure/function; Has not been previously published as pathogenic or benign to our knowledge

Labcorp Genetics (formerly Invitae), Labcorp
Classification: Uncertain significance. Last evaluated: 2021-06-17. Review status: criteria provided, single submitter. Criteria: Invitae Variant Classification Sherloc (09022015). Collection method: clinical testing. Allele origin: germline.
Comment: This sequence change replaces leucine with valine at codon 217 of the GDF1 protein (p.Leu217Val). The leucine residue is highly conserved and there is a small physicochemical difference between leucine and valine. The frequency data for this variant in the population databases is considered unreliable, as metrics indicate insufficient coverage at this position in the ExAC database. This variant has not been reported in the literature in individuals with GDF1-related conditions. Algorithms developed to predict the effect of missense changes on protein structure and function (SIFT, PolyPhen-2, Align-GVGD) all suggest that this variant is likely to be disruptive, but these predictions have not been confirmed by published functional studies and their clinical significance is uncertain. In summary, the available evidence is currently insufficient to determine the role of this variant in disease. Therefore, it has been classified as a Variant of Uncertain Significance.

Baylor Genetics
Classification: Uncertain significance for Congenital heart defects, multiple types, 6. Last evaluated: 2019-09-10. Review status: criteria provided, single submitter. Criteria: ACMG Guidelines, 2015. Collection method: clinical testing. Allele origin: unknown. Affected: yes.
Comment: This variant was determined to be of uncertain significance according to ACMG Guidelines, 2015 [PMID:25741868].

NM_001492.6(GDF1):c.649C>G (p.Leu217Val)

Genes: CERS1 (ceramide synthase 1; minus strand), GDF1 (growth differentiation factor 1; minus strand). Cytogenetic location: 19p13.11.
Variant type: single nucleotide variant.
Coding change: c.649C>G on transcript NM_001492.6 (MANE Select); coding-DNA position 649, C replaced by G.
Protein change: p.Leu217Val; replaces leucine 217 with valine.
Molecular consequence: missense variant. On other transcripts: 3 prime UTR variant (2).
Genome position (GRCh38, 1-based): chr19:18,869,067, G>C on the plus strand (C>G on the coding strand, the complement: GDF1 is on the minus strand). VCF-style: chr19-18869067-G-C. GRCh37 (hg19) VCF-style: chr19-18979876-G-C.
Other names: c.*1510C>G (NM_001387440.1); c.*918C>G (NM_021267.5); c.649C>G, p.Leu217Val (NM_001387438.1); short protein forms L217V.
Identifiers: ClinVar variation 1010796 (VCV001010796.11), dbSNP rs2055909840, ClinGen allele CA404862650.